The following is an entry in ClinVar:

ClinVar aggregate classification (germline): Uncertain significance (1 of 4 stars; one submission).

gnomAD v4.1: 1 of 1,614,238 alleles (0.000062%); highest among the groups gnomAD compares: Non-Finnish European, 0.000085%; no homozygotes.

Submission:

GeneDx
Classification: Uncertain significance. Last evaluated: 2024-03-05. Review status: criteria provided, single submitter. Criteria: GeneDx Variant Classification Process June 2021. Collection method: clinical testing. Allele origin: germline. Affected: yes.
Comment: Not observed at significant frequency in large population cohorts (gnomAD); In silico analysis supports that this missense variant does not alter protein structure/function; Has not been previously published as pathogenic or benign to our knowledge

NM_001242896.3(DEPDC5):c.3095C>T (p.Pro1032Leu)

Gene: DEPDC5 (DEP domain containing 5, GATOR1 subcomplex subunit; plus strand). Cytogenetic location: 22q12.3.
Variant type: single nucleotide variant.
Coding change: c.3095C>T on transcript NM_001242896.3 (MANE Select); coding-DNA position 3095, C replaced by T.
Protein change: p.Pro1032Leu; replaces proline 1032 with leucine.
Molecular consequence: missense variant. On other transcripts: non-coding transcript variant (5).
Genome position (GRCh38, 1-based): chr22:31,846,907, C>T. VCF-style: chr22-31846907-C-T. GRCh37 (hg19) VCF-style: chr22-32242893-C-T.
Other names: c.2861C>T, p.Pro954Leu (NM_001242897.2, NM_001363854.2, NM_001364319.2); c.3095C>T, p.Pro1032Leu (NM_001363852.2, NM_001364318.2, NM_001364320.2); c.3011C>T, p.Pro1004Leu (NM_001369901.1, NM_001369902.1); c.3068C>T, p.Pro1023Leu (NM_001369903.1, NM_014662.6, NM_001136029.4); short protein forms P1004L, P1023L, P1032L, P954L.
Identifiers: ClinVar variation 3373756 (VCV003373756.1).
Genomic context (GRCh38, chr22:31,846,907, plus strand): 5'-TGAAAGGCTTGCAGATGACTGGGCCCATTTCCACGCATTCTCTGGAGTCAACTGCACCCC[C>T]AGTGGGGAAGAAGGGAACCTCAGCTCTCTCTGCCCTGTTGGAGATGGAGGCCAGTCAGAA-3'
Protein context (NP_001229825.1, residues 1022-1042): STHSLESTAP[Pro1032Leu]VGKKGTSALS